The following is an entry in ClinVar:

ClinVar aggregate classification (germline): Uncertain significance (1 of 4 stars; one submission).

gnomAD v4.1: 6 of 1,614,108 alleles (0.00037%); highest among the groups gnomAD compares: African/African-American, 0.0013%; no homozygotes.

Submission:

Labcorp Genetics (formerly Invitae), Labcorp
Classification: Uncertain significance. Last evaluated: 2024-02-12. Review status: criteria provided, single submitter. Criteria: Invitae Variant Classification Sherloc (09022015). Collection method: clinical testing. Allele origin: germline.
Comment: This sequence change replaces arginine, which is basic and polar, with histidine, which is basic and polar, at codon 74 of the IGF1R protein (p.Arg74His). This variant is present in population databases (no rsID available, gnomAD 0.007%). This variant has not been reported in the literature in individuals affected with IGF1R-related conditions. Advanced modeling of protein sequence and biophysical properties (such as structural, functional, and spatial information, amino acid conservation, physicochemical variation, residue mobility, and thermodynamic stability) performed at Invitae indicates that this missense variant is not expected to disrupt IGF1R protein function with a negative predictive value of 80%. In summary, the available evidence is currently insufficient to determine the role of this variant in disease. Therefore, it has been classified as a Variant of Uncertain Significance.

NM_000875.5(IGF1R):c.221G>A (p.Arg74His)

Gene: IGF1R (insulin like growth factor 1 receptor; plus strand). Cytogenetic location: 15q26.3.
Variant type: single nucleotide variant.
Coding change: c.221G>A on transcript NM_000875.5 (MANE Select); coding-DNA position 221, G replaced by A.
Protein change: p.Arg74His; replaces arginine 74 with histidine.
Molecular consequence: missense variant.
Genome position (GRCh38, 1-based): chr15:98,707,688, G>A. VCF-style: chr15-98707688-G-A. GRCh37 (hg19) VCF-style: chr15-99250917-G-A.
Other names: c.221G>A, p.Arg74His (NM_001291858.2); short protein forms R74H.
Identifiers: ClinVar variation 3695063 (VCV003695063.2).